The following is an entry in ClinVar:

ClinVar aggregate classification (germline): Uncertain significance (1 of 4 stars; one submission).

Conditions:
Periodontitis, aggressive. Identifiers: MedGen C0031106, MONDO:0980757.
Papillon-Lefèvre syndrome (PALS). Also called: KERATOSIS PALMOPLANTARIS WITH PERIODONTOPATHIA; Papillon-Lefevre Disease. Identifiers: Orphanet 678, MedGen C0030360, MONDO:0009490, OMIM 245000.
Haim-Munk syndrome (HMS). Also called: COCHIN JEWISH DISORDER; KERATOSIS PALMOPLANTARIS WITH PERIODONTOPATHIA AND ONYCHOGRYPOSIS. Identifiers: Orphanet 2342, MedGen C1855627, MONDO:0009491, OMIM 245010.

Allele frequency attached by ClinVar (database versions not stated): ExAC 0.00002.

Submission:

Labcorp Genetics (formerly Invitae), Labcorp
Classification: Uncertain significance for Haim-Munk syndrome; Periodontitis, aggressive; Papillon-Lefèvre syndrome. Last evaluated: 2023-06-23. Review status: criteria provided, single submitter. Criteria: Invitae Variant Classification Sherloc (09022015). Collection method: clinical testing. Allele origin: germline.
Comment: In summary, the available evidence is currently insufficient to determine the role of this variant in disease. Therefore, it has been classified as a Variant of Uncertain Significance. An algorithm developed to predict the effect of missense changes on protein structure and function (PolyPhen-2) suggests that this variant is likely to be tolerated. This variant has not been reported in the literature in individuals affected with CTSC-related conditions. The frequency data for this variant in the population databases is considered unreliable, as metrics indicate poor data quality at this position in the gnomAD database. This sequence change replaces proline, which is neutral and non-polar, with threonine, which is neutral and polar, at codon 59 of the CTSC protein (p.Pro59Thr).

NM_001814.6(CTSC):c.175C>A (p.Pro59Thr)

Gene: CTSC (cathepsin C; minus strand). Cytogenetic location: 11q14.2.
Variant type: single nucleotide variant.
Coding change: c.175C>A on transcript NM_001814.6 (MANE Select); coding-DNA position 175, C replaced by A.
Protein change: p.Pro59Thr; replaces proline 59 with threonine.
Molecular consequence: missense variant.
Genome position (GRCh38, 1-based): chr11:88,335,080, G>T on the plus strand (C>A on the coding strand, the complement: CTSC is on the minus strand). VCF-style: chr11-88335080-G-T. GRCh37 (hg19) VCF-style: chr11-88068248-G-T.
Other names: c.175C>A, p.Pro59Thr (NM_001114173.3, NM_148170.5); short protein forms P59T.
Identifiers: ClinVar variation 2939896 (VCV002939896.3), dbSNP rs750685011, ClinGen allele CA6220109.